The following is an entry in ClinVar:

ClinVar aggregate classification (germline): Uncertain significance (1 of 4 stars; one submission).

Allele frequency attached by ClinVar (database versions not stated): gnomAD exomes 0.00002; TOPMed 0.00002; ExAC 0.00003; gnomAD 0.00003.
gnomAD v4.1: 37 of 1,612,978 alleles (0.0023%); highest among the groups gnomAD compares: Admixed American, 0.01%; no homozygotes.

Submission:

Labcorp Genetics (formerly Invitae), Labcorp
Classification: Uncertain significance. Last evaluated: 2022-12-06. Review status: criteria provided, single submitter. Criteria: Invitae Variant Classification Sherloc (09022015). Collection method: clinical testing. Allele origin: germline.
Comment: In summary, the available evidence is currently insufficient to determine the role of this variant in disease. Therefore, it has been classified as a Variant of Uncertain Significance. Variants that disrupt the consensus splice site are a relatively common cause of aberrant splicing (PMID: 17576681, 9536098). Algorithms developed to predict the effect of sequence changes on RNA splicing suggest that this variant is not likely to affect RNA splicing. This variant has not been reported in the literature in individuals affected with ABCC6-related conditions. This variant is present in population databases (rs369488163, gnomAD 0.01%). This sequence change falls in intron 23 of the ABCC6 gene. It does not directly change the encoded amino acid sequence of the ABCC6 protein. It affects a nucleotide within the consensus splice site.

Literature cited by the submitters: PubMed 17576681; PubMed 9536098.

NM_001171.6(ABCC6):c.3306+4C>T

Gene: ABCC6 (ATP binding cassette subfamily C member 6; minus strand). Cytogenetic location: 16p13.11.
Variant type: single nucleotide variant.
Coding change: c.3306+4C>T on transcript NM_001171.6 (MANE Select); 4 bases into the intron after coding-DNA position 3306, C replaced by T.
Molecular consequence: intron variant.
Genome position (GRCh38, 1-based): chr16:16,165,619, G>A on the plus strand (C>T on the coding strand, the complement: ABCC6 is on the minus strand). VCF-style: chr16-16165619-G-A. GRCh37 (hg19) VCF-style: chr16-16259476-G-A.
Other names: c.2964+4C>T (NM_001351800.1).
Identifiers: ClinVar variation 2192570 (VCV002192570.3), dbSNP rs369488163, ClinGen allele CA7925638.